The following is an entry in ClinVar:

NM_024537.4(CARS2):c.1693T>G (p.Ter565Gly)

Gene: CARS2 (cysteinyl-tRNA synthetase 2, mitochondrial; minus strand). Cytogenetic location: 13q34.
Variant type: single nucleotide variant.
Coding change: c.1693T>G on transcript NM_024537.4 (MANE Select); coding-DNA position 1693, T replaced by G.
Protein change: p.Ter565Gly.
Molecular consequence: stop lost. On other transcripts: non-coding transcript variant (2).
Genome position (GRCh38, 1-based): chr13:110,641,539, A>C on the plus strand (T>G on the coding strand, the complement: CARS2 is on the minus strand). VCF-style: chr13-110641539-A-C. GRCh37 (hg19) VCF-style: chr13-111293886-A-C.
Other names: c.907T>G, p.Ter303Gly (NM_001352252.2).
Identifiers: ClinVar variation 1044498 (VCV001044498.6), dbSNP rs1594194614, ClinGen allele CA388739028.

ClinVar aggregate classification (germline): Uncertain significance (1 of 4 stars; one submission).

Conditions:
Combined oxidative phosphorylation defect type 27. Also called: Combined oxidative phosphorylation deficiency 27. Identifiers: Orphanet 477774, MedGen C5567608, MONDO:0014728, OMIM 616672.

Submission:

Labcorp Genetics (formerly Invitae), Labcorp
Classification: Uncertain significance for Combined oxidative phosphorylation defect type 27. Last evaluated: 2020-07-01. Review status: criteria provided, single submitter. Criteria: Invitae Variant Classification Sherloc (09022015). Collection method: clinical testing. Allele origin: germline.
Comment: In summary, the available evidence is currently insufficient to determine the role of this variant in disease. Therefore, it has been classified as a Variant of Uncertain Significance. Experimental studies and prediction algorithms are not available or were not evaluated, and the functional significance of this variant is currently unknown. This variant has not been reported in the literature in individuals with CARS2-related conditions. This variant is not present in population databases (ExAC no frequency). This sequence change disrupts the translational stop signal of the CARS2 mRNA. It is expected to extend the length of the CARS2 protein by 37 additional amino acid residues.